The following is an entry in ClinVar:

ClinVar aggregate classification (germline): Likely pathogenic (1 of 4 stars; one submission).

Conditions:
Structural eye disease.

Submission:

Genetics Laboratory, Great Ormond Street Hospital NHS Foundation Trust, North Thames Genomic Laboratory Hub
Classification: Likely pathogenic for Structural eye disease. Last evaluated: 2026-02-26. Review status: criteria provided, single submitter. Criteria: ACGS Best Practice Guidelines for Variant Classification in Rare Disease 2024 v1.2. Collection method: clinical testing. Allele origin: germline. Affected: yes.
Comment: PM2_moderate, PVS1_strong

NM_001453.3(FOXC1):c.453C>A (p.Tyr151Ter)

Gene: FOXC1 (forkhead box C1; plus strand). Cytogenetic location: 6p25.3.
Variant type: single nucleotide variant.
Coding change: c.453C>A on transcript NM_001453.3 (MANE Select); coding-DNA position 453, C replaced by A.
Protein change: p.Tyr151Ter; replaces tyrosine 151 with a stop codon.
Molecular consequence: nonsense.
Genome position (GRCh38, 1-based): chr6:1,610,898, C>A. VCF-style: chr6-1610898-C-A. GRCh37 (hg19) VCF-style: chr6-1611133-C-A.
Other names: short protein forms Y151*.
Identifiers: ClinVar variation 4845299 (VCV004845299.1).
Genomic context (GRCh38, chr6:1,610,898, plus strand): 5'-GCTCAACGAGTGCTTCGTCAAGGTGCCGCGCGACGACAAGAAGCCGGGCAAGGGCAGCTA[C>A]TGGACGCTGGACCCGGACTCCTACAACATGTTCGAGAACGGCAGCTTCCTGCGGCGGCGG-3'